The following is an entry in ClinVar:

ClinVar aggregate classification (germline): Uncertain significance (1 of 4 stars; one submission).

Allele frequency attached by ClinVar (database versions not stated): gnomAD exomes below 0.00001; TOPMed below 0.00001.

Submission:

Labcorp Genetics (formerly Invitae), Labcorp
Classification: Uncertain significance. Last evaluated: 2021-02-02. Review status: criteria provided, single submitter. Criteria: Invitae Variant Classification Sherloc (09022015). Collection method: clinical testing. Allele origin: germline.
Comment: In summary, the available evidence is currently insufficient to determine the role of this variant in disease. Therefore, it has been classified as a Variant of Uncertain Significance. Advanced modeling of protein sequence and biophysical properties (such as structural, functional, and spatial information, amino acid conservation, physicochemical variation, residue mobility, and thermodynamic stability) performed at Invitae indicates that this missense variant is not expected to disrupt ABCC6 protein function. This variant has not been reported in the literature in individuals with ABCC6-related conditions. This variant is not present in population databases (ExAC no frequency). This sequence change replaces alanine with threonine at codon 1199 of the ABCC6 protein (p.Ala1199Thr). The alanine residue is weakly conserved and there is a small physicochemical difference between alanine and threonine.

NM_001171.6(ABCC6):c.3595G>A (p.Ala1199Thr)

Gene: ABCC6 (ATP binding cassette subfamily C member 6; minus strand). Cytogenetic location: 16p13.11.
Variant type: single nucleotide variant.
Coding change: c.3595G>A on transcript NM_001171.6 (MANE Select); coding-DNA position 3595, G replaced by A.
Protein change: p.Ala1199Thr; replaces alanine 1199 with threonine.
Molecular consequence: missense variant. On other transcripts: non-coding transcript variant (1).
Genome position (GRCh38, 1-based): chr16:16,161,476, C>T on the plus strand (G>A on the coding strand, the complement: ABCC6 is on the minus strand). VCF-style: chr16-16161476-C-T. GRCh37 (hg19) VCF-style: chr16-16255333-C-T.
Other names: c.3253G>A, p.Ala1085Thr (NM_001351800.1); short protein forms A1199T, A1085T.
Identifiers: ClinVar variation 1471546 (VCV001471546.8), dbSNP rs1236608026, ClinGen allele CA394879783.